The following is an entry in ClinVar:

ClinVar aggregate classification (germline): Uncertain significance (1 of 4 stars; one submission).

Conditions:
Inborn genetic diseases. Identifiers: MedGen C0950123, MeSH D030342.

gnomAD v4.1: 1 of 1,614,210 alleles (0.000062%); highest among the groups gnomAD compares: Non-Finnish European, 0.000085%; no homozygotes.

Submission:

Ambry Genetics
Classification: Uncertain significance for Inborn genetic diseases. Last evaluated: 2026-07-05. Review status: criteria provided, single submitter. Criteria: Ambry Variant Classification Scheme 2023. Collection method: clinical testing. Allele origin: germline.
Comment: The p.G1260V variant (also known as c.3779G>T), located in coding exon 13 of the ASXL1 gene, results from a G to T substitution at nucleotide position 3779. The glycine at codon 1260 is replaced by valine, an amino acid with dissimilar properties. This amino acid position is conserved. In addition, this alteration is predicted to be tolerated by in silico analysis. Based on the available evidence, the clinical significance of this variant remains unclear.

NM_015338.6(ASXL1):c.3779G>T (p.Gly1260Val)

Gene: ASXL1 (ASXL transcriptional regulator 1; plus strand). Cytogenetic location: 20q11.21.
Variant type: single nucleotide variant.
Coding change: c.3779G>T on transcript NM_015338.6 (MANE Select); coding-DNA position 3779, G replaced by T.
Protein change: p.Gly1260Val; replaces glycine 1260 with valine.
Molecular consequence: missense variant.
Genome position (GRCh38, 1-based): chr20:32,436,491, G>T. VCF-style: chr20-32436491-G-T. GRCh37 (hg19) VCF-style: chr20-31024294-G-T.
Other names: c.3596G>T, p.Gly1199Val (NM_001363734.1); short protein forms G1199V, G1260V.
Identifiers: ClinVar variation 5029813 (VCV005029813.1).